The following is an entry in ClinVar:

ClinVar aggregate classification (germline): Uncertain significance (1 of 4 stars; one submission).

Submission:

Ambry Genetics
Classification: Uncertain significance. Last evaluated: 2025-11-28. Review status: criteria provided, single submitter. Criteria: Ambry Variant Classification Scheme 2023. Collection method: clinical testing. Allele origin: germline.
Comment: The p.V778M variant (also known as c.2332G>A), located in coding exon 22 of the KIF1B gene, results from a G to A substitution at nucleotide position 2332. The valine at codon 778 is replaced by methionine, an amino acid with highly similar properties. This amino acid position is conserved. In addition, the in silico prediction for this alteration is inconclusive. Based on the available evidence, the clinical significance of this variant remains unclear.

NM_001365951.3(KIF1B):c.2470G>A (p.Val824Met)

Gene: KIF1B (kinesin family member 1B; plus strand). Cytogenetic location: 1p36.22.
Variant type: single nucleotide variant.
Coding change: c.2470G>A on transcript NM_001365951.3 (MANE Select); coding-DNA position 2470, G replaced by A.
Protein change: p.Val824Met; replaces valine 824 with methionine.
Molecular consequence: missense variant.
Genome position (GRCh38, 1-based): chr1:10,323,995, G>A. VCF-style: chr1-10323995-G-A. GRCh37 (hg19) VCF-style: chr1-10384053-G-A.
Other names: c.2470G>A, p.Val824Met (NM_001365952.1); c.2332G>A, p.Val778Met (NM_015074.3); short protein forms V824M, V778M.
Identifiers: ClinVar variation 4543684 (VCV004543684.1).
Genomic context (GRCh38, chr1:10,323,995, plus strand): 5'-CCTGAATTACTTCCCACTGAGATGGAAAAAACTCATGAGGACAGGCCTTTCCCTCGCACA[G>A]TGGTAGCAGTAGAAGTCCAGGATTTGAAGAATGGAGCAACACACTATTGGTCTTTGGAGA-3'
Protein context (NP_001352880.1, residues 814-834): THEDRPFPRT[Val824Met]VAVEVQDLKN